The following is an entry in ClinVar:

NM_001012720.2(RGR):c.744+14T>G

Gene: RGR (retinal G protein coupled receptor; plus strand). Cytogenetic location: 10q23.1.
Variant type: single nucleotide variant.
Coding change: c.744+14T>G on transcript NM_001012720.2 (MANE Select); 14 bases into the intron after coding-DNA position 744, T replaced by G.
Molecular consequence: intron variant.
Genome position (GRCh38, 1-based): chr10:84,258,020, T>G. VCF-style: chr10-84258020-T-G. GRCh37 (hg19) VCF-style: chr10-86017776-T-G.
Other names: c.756+14T>G (NM_002921.4); c.631-488T>G (NM_001012722.2).
Identifiers: ClinVar variation 2878596 (VCV002878596.3), dbSNP rs777778795, ClinGen allele CA5581557.
Genomic context (GRCh38, chr10:84,258,020, plus strand): 5'-ACGCAGTCATCGCAGACGTGACTTCCATCTCCCCCAAACTGCAGATGGTACAGATACTTC[T>G]AGTACCTAAAACTAGACCCCTCTCCATCTTTGTTCTCTGTCTCATCTCATCTCACTTTCT-3'

ClinVar aggregate classification (germline): Uncertain significance (1 of 4 stars; one submission).

gnomAD v4.1: 1 of 1,596,630 alleles (0.000063%); highest among the groups gnomAD compares: Admixed American, 0.0017%; no homozygotes.

Submission:

Labcorp Genetics (formerly Invitae), Labcorp
Classification: Uncertain significance. Last evaluated: 2023-09-07. Review status: criteria provided, single submitter. Criteria: Invitae Variant Classification Sherloc (09022015). Collection method: clinical testing. Allele origin: germline.
Comment: In summary, the available evidence is currently insufficient to determine the role of this variant in disease. Therefore, it has been classified as a Variant of Uncertain Significance. Algorithms developed to predict the effect of sequence changes on RNA splicing suggest that this variant may create or strengthen a splice site. This variant has not been reported in the literature in individuals affected with RGR-related conditions. This variant is present in population databases (rs777778795, gnomAD 0.003%). This sequence change falls in intron 6 of the RGR gene. It does not directly change the encoded amino acid sequence of the RGR protein.